The following is an entry in ClinVar:

ClinVar aggregate classification (germline): Uncertain significance. Review status: criteria provided, multiple submitters, no conflicts (2 of 4 stars). 2 submissions from 2 submitters: Uncertain significance (2). Last evaluated 2025-04-18.

Conditions:
Inborn genetic diseases. Identifiers: MedGen C0950123, MeSH D030342.

gnomAD v4.1: 17 of 1,614,040 alleles (0.0011%); highest among the groups gnomAD compares: African/African-American, 0.02%; no homozygotes.

Submissions (2):

Ambry Genetics
Classification: Uncertain significance for Inborn genetic diseases. Last evaluated: 2025-04-18. Review status: criteria provided, single submitter. Criteria: Ambry Variant Classification Scheme 2023. Collection method: clinical testing. Allele origin: germline.

GeneDx
Classification: Uncertain significance. Last evaluated: 2024-08-07. Review status: criteria provided, single submitter. Criteria: GeneDx Variant Classification Process June 2021. Collection method: clinical testing. Allele origin: germline. Affected: yes.
Comment: In silico analysis indicates that this missense variant does not alter protein structure/function; Has not been previously published as pathogenic or benign to our knowledge

NM_017837.4(PIGV):c.823C>A (p.Pro275Thr)

Gene: PIGV (phosphatidylinositol glycan anchor biosynthesis class V; plus strand). Cytogenetic location: 1p36.11.
Variant type: single nucleotide variant.
Coding change: c.823C>A on transcript NM_017837.4 (MANE Select); coding-DNA position 823, C replaced by A.
Protein change: p.Pro275Thr; replaces proline 275 with threonine.
Molecular consequence: missense variant. On other transcripts: non-coding transcript variant (1), intron variant (1).
Genome position (GRCh38, 1-based): chr1:26,794,857, C>A. VCF-style: chr1-26794857-C-A. GRCh37 (hg19) VCF-style: chr1-27121348-C-A.
Other names: c.823C>A, p.Pro275Thr (NM_001202554.2, NM_001374478.1, NM_001374480.1 and 2 more transcripts); c.442C>A, p.Pro148Thr (NM_001374483.1); c.196C>A, p.Pro66Thr (NM_001374484.1, NM_001374485.1); c.79-2706C>A (NM_001374486.1); short protein forms P148T, P275T, P66T.
Identifiers: ClinVar variation 3603029 (VCV003603029.2).